The following is an entry in ClinVar:

ClinVar aggregate classification (germline): Likely benign. Review status: criteria provided, multiple submitters, no conflicts (2 of 4 stars). 2 submissions from 2 submitters: Likely benign (2). Last evaluated 2022-10-03.

Allele frequency attached by ClinVar (database versions not stated): gnomAD exomes below 0.00001.
gnomAD v4.1: 2 of 1,614,186 alleles (0.00012%); highest among the groups gnomAD compares: Non-Finnish European, 0.00017%; no homozygotes.

Submissions (2):

Labcorp Genetics (formerly Invitae), Labcorp
Classification: Likely benign. Last evaluated: 2022-10-03. Review status: criteria provided, single submitter. Criteria: Invitae Variant Classification Sherloc (09022015). Collection method: clinical testing. Allele origin: germline.

GeneDx
Classification: Likely benign. Last evaluated: 2017-12-04. Review status: criteria provided, single submitter. Criteria: GeneDx Variant Classification (06012015). Collection method: clinical testing. Allele origin: germline. Affected: yes.
Comment: This variant is considered likely benign or benign based on one or more of the following criteria: it is a conservative change, it occurs at a poorly conserved position in the protein, it is predicted to be benign by multiple in silico algorithms, and/or has population frequency not consistent with disease.

NM_000092.5(COL4A4):c.4485C>T (p.Tyr1495=)

Gene: COL4A4 (collagen type IV alpha 4 chain; minus strand). Cytogenetic location: 2q36.3.
Variant type: single nucleotide variant.
Coding change: c.4485C>T on transcript NM_000092.5 (MANE Select); coding-DNA position 4485, C replaced by T.
Protein change: p.Tyr1495=; no amino-acid change (tyrosine 1495 retained).
Molecular consequence: synonymous variant.
Genome position (GRCh38, 1-based): chr2:227,010,350, G>A on the plus strand (C>T on the coding strand, the complement: COL4A4 is on the minus strand). VCF-style: chr2-227010350-G-A. GRCh37 (hg19) VCF-style: chr2-227875066-G-A.
Identifiers: ClinVar variation 513928 (VCV000513928.8), dbSNP rs1553613757, ClinGen allele CA431492668.
Genomic context (GRCh38, chr2:227,010,350, plus strand): 5'-GATGGGCGATCCTGTATCCATACCAAGGTCTTGATTGTGAGCTTTCTCTTGCCCTTCCAG[G>A]TATAACAGACTATACCCAGTCCAGAGCCTGGGCATGCCCAGGGGGCAGGTGGGCTCCTGG-3'
Protein context (NP_000083.3, residues 1485-1505): PRLWTGYSLL[Tyr1495=]LEGQEKAHNQ